The following is an entry in ClinVar:

NM_006757.4(TNNT3):c.32-3C>T

Gene: TNNT3 (troponin T3, fast skeletal type; plus strand). Cytogenetic location: 11p15.5.
Variant type: single nucleotide variant.
Coding change: c.32-3C>T on transcript NM_006757.4 (MANE Select); 3 bases into the intron before coding-DNA position 32, C replaced by T.
Molecular consequence: intron variant.
Genome position (GRCh38, 1-based): chr11:1,923,552, C>T. VCF-style: chr11-1923552-C-T. GRCh37 (hg19) VCF-style: chr11-1944782-C-T.
Other names: c.32-3C>T (NM_001297646.2, NM_001367846.1, NM_001363561.2 and 10 more transcripts); c.-99+661C>T (NM_001367851.1); c.31+491C>T (NM_001367849.1); c.-117+661C>T (NM_001367852.1).
Identifiers: ClinVar variation 2783975 (VCV002783975.3), dbSNP rs1374457341, ClinGen allele CA2611949922.

ClinVar aggregate classification (germline): Uncertain significance (1 of 4 stars; one submission).

gnomAD v4.1: 1 of 1,614,062 alleles (0.000062%); highest among the groups gnomAD compares: Non-Finnish European, 0.000085%; no homozygotes.

Submission:

Labcorp Genetics (formerly Invitae), Labcorp
Classification: Uncertain significance. Last evaluated: 2023-10-19. Review status: criteria provided, single submitter. Criteria: Invitae Variant Classification Sherloc (09022015). Collection method: clinical testing. Allele origin: germline.
Comment: This sequence change falls in intron 3 of the TNNT3 gene. It does not directly change the encoded amino acid sequence of the TNNT3 protein. It affects a nucleotide within the consensus splice site. This variant is not present in population databases (gnomAD no frequency). This variant has not been reported in the literature in individuals affected with TNNT3-related conditions. Variants that disrupt the consensus splice site are a relatively common cause of aberrant splicing (PMID: 17576681, 9536098). Algorithms developed to predict the effect of sequence changes on RNA splicing suggest that this variant is not likely to affect RNA splicing. In summary, the available evidence is currently insufficient to determine the role of this variant in disease. Therefore, it has been classified as a Variant of Uncertain Significance.

Literature cited by the submitters: PubMed 17576681; PubMed 9536098.